The following is an entry in ClinVar:

ClinVar aggregate classification (germline): Uncertain significance (1 of 4 stars; one submission).

Conditions:
Familial cancer of breast. Also called: BREAST CANCER, FAMILIAL; Hereditary breast cancer; hereditary breast carcinoma. Identifiers: Orphanet 227535, MedGen C0346153, MONDO:0016419, OMIM 114480. Disease mechanism: loss of function.
Fanconi anemia complementation group J. Also called: BRIP1-Related Fanconi Anemia. Identifiers: Orphanet 84, MedGen C1836860, MONDO:0012187, OMIM 609054.

Submission:

Labcorp Genetics (formerly Invitae), Labcorp
Classification: Uncertain significance for Familial cancer of breast; Fanconi anemia complementation group J. Last evaluated: 2022-08-03. Review status: criteria provided, single submitter. Criteria: Invitae Variant Classification Sherloc (09022015). Collection method: clinical testing. Allele origin: germline.
Comment: This variant is not present in population databases (gnomAD no frequency). This sequence change replaces alanine, which is neutral and non-polar, with valine, which is neutral and non-polar, at codon 513 of the BRIP1 protein (p.Ala513Val). This variant has not been reported in the literature in individuals affected with BRIP1-related conditions. In summary, the available evidence is currently insufficient to determine the role of this variant in disease. Therefore, it has been classified as a Variant of Uncertain Significance. Algorithms developed to predict the effect of sequence changes on RNA splicing suggest that this variant may disrupt the consensus splice site. Algorithms developed to predict the effect of missense changes on protein structure and function output the following: SIFT: "Tolerated"; PolyPhen-2: "Benign"; Align-GVGD: "Class C0". The valine amino acid residue is found in multiple mammalian species, which suggests that this missense change does not adversely affect protein function.

NM_032043.3(BRIP1):c.1538C>T (p.Ala513Val)

Gene: BRIP1 (BRCA1 interacting DNA helicase 1; minus strand). Cytogenetic location: 17q23.2.
Variant type: single nucleotide variant.
Coding change: c.1538C>T on transcript NM_032043.3 (MANE Select); coding-DNA position 1538, C replaced by T.
Protein change: p.Ala513Val; replaces alanine 513 with valine.
Molecular consequence: missense variant.
Genome position (GRCh38, 1-based): chr17:61,784,360, G>A on the plus strand (C>T on the coding strand, the complement: BRIP1 is on the minus strand). VCF-style: chr17-61784360-G-A. GRCh37 (hg19) VCF-style: chr17-59861721-G-A.
Other names: short protein forms A513V.
Identifiers: ClinVar variation 1714948 (VCV001714948.5), dbSNP rs2145138611, ClinGen allele CA400481243.